The following is an entry in ClinVar:

NM_013372.7(GREM1):c.342C>G (p.Ile114Met)

Gene: GREM1 (gremlin 1, DAN family BMP antagonist; plus strand). Cytogenetic location: 15q13.3.
Variant type: single nucleotide variant.
Coding change: c.342C>G on transcript NM_013372.7 (MANE Select); coding-DNA position 342, C replaced by G.
Protein change: p.Ile114Met; replaces isoleucine 114 with methionine.
Molecular consequence: missense variant.
Genome position (GRCh38, 1-based): chr15:32,731,032, C>G. VCF-style: chr15-32731032-C-G. GRCh37 (hg19) VCF-style: chr15-33023233-C-G.
Other names: c.132C>G, p.Ile44Met (NM_001191322.2); c.219C>G, p.Ile73Met (NM_001191323.2); c.342C>G, p.Ile114Met (NM_001368719.1); short protein forms I73M, I114M, I44M.
Identifiers: ClinVar variation 3522505 (VCV003522505.1).

ClinVar aggregate classification (germline): Uncertain significance (1 of 4 stars; one submission).

Conditions:
Hereditary cancer-predisposing syndrome. Also called: Hereditary Cancer Syndrome; Hereditary neoplastic syndrome; Tumor predisposition; Neoplastic Syndromes, Hereditary. Identifiers: Orphanet 140162, MedGen C0027672, MeSH D009386, MONDO:0015356.

Submission:

Ambry Genetics
Classification: Uncertain significance for Hereditary cancer-predisposing syndrome. Last evaluated: 2024-07-05. Review status: criteria provided, single submitter. Criteria: Ambry Variant Classification Scheme 2023. Collection method: clinical testing. Allele origin: germline.
Comment: The p.I114M variant (also known as c.342C>G), located in coding exon 1 of the GREM1 gene, results from a C to G substitution at nucleotide position 342. The isoleucine at codon 114 is replaced by methionine, an amino acid with highly similar properties. This amino acid position is conserved. In addition, the in silico prediction for this alteration is inconclusive. Based on the available evidence, the clinical significance of this variant remains unclear.